The following is an entry in ClinVar:

ClinVar aggregate classification (germline): Uncertain significance (1 of 4 stars; one submission).

Allele frequency attached by ClinVar (database versions not stated): gnomAD exomes below 0.00001.
gnomAD v4.1: 1 of 1,614,212 alleles (0.000062%); highest among the groups gnomAD compares: East Asian, 0.0022%; no homozygotes.

Submission:

CeGaT Center for Human Genetics Tuebingen
Classification: Uncertain significance. Last evaluated: 2022-08-01. Review status: criteria provided, single submitter. Criteria: CeGaT Center For Human Genetics Tuebingen Variant Classification Criteria Version 2. Collection method: clinical testing. Allele origin: germline. Affected: yes. Observed: 1 variant allele.
Comment: DYNC1H1: PM2, PP2

NM_001376.5(DYNC1H1):c.635T>C (p.Met212Thr)

Gene: DYNC1H1 (dynein cytoplasmic 1 heavy chain 1; plus strand). Cytogenetic location: 14q32.31.
Variant type: single nucleotide variant.
Coding change: c.635T>C on transcript NM_001376.5 (MANE Select); coding-DNA position 635, T replaced by C.
Protein change: p.Met212Thr; replaces methionine 212 with threonine.
Molecular consequence: missense variant.
Genome position (GRCh38, 1-based): chr14:101,979,835, T>C. VCF-style: chr14-101979835-T-C. GRCh37 (hg19) VCF-style: chr14-102446172-T-C.
Other names: short protein forms M212T.
Identifiers: ClinVar variation 2644559 (VCV002644559.24), dbSNP rs2503679280, ClinGen allele CA391008452.